The following is an entry in ClinVar:

NM_017777.4(MKS1):c.207G>A (p.Glu69=)

Gene: MKS1 (MKS transition zone complex subunit 1; minus strand). Cytogenetic location: 17q22.
Variant type: single nucleotide variant.
Coding change: c.207G>A on transcript NM_017777.4 (MANE Select); coding-DNA position 207, G replaced by A.
Protein change: p.Glu69=; no amino-acid change (glutamic acid 69 retained).
Molecular consequence: synonymous variant. On other transcripts: 5 prime UTR variant (1).
Genome position (GRCh38, 1-based): chr17:58,216,720, C>T on the plus strand (G>A on the coding strand, the complement: MKS1 is on the minus strand). VCF-style: chr17-58216720-C-T. GRCh37 (hg19) VCF-style: chr17-56294081-C-T.
Other names: c.-305G>A (NM_001321268.2); c.207G>A, p.Glu69= (NM_001321269.2, NM_001330397.2); c.207G>A (NM_017777.3).
Identifiers: ClinVar variation 1089792 (VCV001089792.10), dbSNP rs1969242335, ClinGen allele CA501036860.

ClinVar aggregate classification (germline): Likely benign. Review status: criteria provided, single submitter (1 of 4 stars). 2 submissions from 2 submitters: Likely benign (1). 1 of the submissions does not count toward it. Last evaluated 2020-06-07.

Conditions:
Meckel-Gruber syndrome. Also called: Dysencephalia splachnocystica; GRUBER SYNDROME; DYSENCEPHALIA SPLANCHNOCYSTICA. Identifiers: Orphanet 564, MedGen C0265215, MONDO:0018921.
Joubert syndrome. Also called: Familial aplasia of the vermis; JOUBERT-BOLTSHAUSER SYNDROME. Identifiers: Orphanet 475, MedGen C5979921, MONDO:0018772.
MKS1-related disorder. Also called: MKS1-related condition; MKS1-related disorders. Identifiers: MedGen CN239382.

Allele frequency attached by ClinVar (database versions not stated): gnomAD exomes below 0.00001.
gnomAD v4.1: 1 of 1,614,196 alleles (0.000062%); highest among the groups gnomAD compares: African/African-American, 0.0013%; no homozygotes.

Submissions (2):

Labcorp Genetics (formerly Invitae), Labcorp
Classification: Likely benign for Joubert syndrome; Meckel-Gruber syndrome. Last evaluated: 2020-06-07. Review status: criteria provided, single submitter. Criteria: Invitae Variant Classification Sherloc (09022015). Collection method: clinical testing. Allele origin: germline.

PreventionGenetics, part of Exact Sciences
Classification: Likely benign for MKS1-related condition. Last evaluated: 2019-09-13. Review status: no assertion criteria provided. Collection method: clinical testing. Allele origin: germline. Not counted in ClinVar's aggregate classification.
Comment: This variant is classified as likely benign based on ACMG/AMP sequence variant interpretation guidelines (Richards et al. 2015 PMID: 25741868, with internal and published modifications).